The following is an entry in ClinVar:

NM_000062.3(SERPING1):c.623dup (p.Ala209fs)

Gene: SERPING1 (serpin family G member 1; plus strand). Cytogenetic location: 11q12.1.
Variant type: Duplication.
Coding change: c.623dup on transcript NM_000062.3 (MANE Select); coding-DNA position 623, one base duplicated (A; older notation c.623dupA).
Protein change: p.Ala209fs; shifts the reading frame from alanine 209.
Molecular consequence: frameshift variant.
Genome position (GRCh38, 1-based): chr11:57,602,107, A duplicated. VCF-style (leftmost placement, unchanged base first): chr11-57602106-C-CA. GRCh37 (hg19) VCF-style: chr11-57369579-C-CA.
Other names: c.623dup, p.Ala209fs (NM_001032295.2); c.623_624insA (NM_000062.3); short protein forms A209fs.
Identifiers: ClinVar variation 1299747 (VCV001299747.3), dbSNP rs2135311324, ClinGen allele CA2573147309.

ClinVar aggregate classification (germline): Pathogenic. Review status: criteria provided, single submitter (1 of 4 stars). 2 submissions from 2 submitters: Pathogenic (1). 1 of the submissions does not count toward it. Last evaluated 2024-06-01.

Conditions:
Hereditary angioedema type 1 (HAE1). Identifiers: Orphanet 100050, Orphanet 100051, Orphanet 91378, MedGen C2717906, MONDO:0015053, OMIM 106100.
Hereditary angioedema with C1Inh deficiency. Identifiers: Orphanet 528623, MedGen C4552294, MONDO:0033946.

Submissions (2):

DNA-diagnostics Laboratory, Research Centre For Medical Genetics
Classification: Pathogenic for Hereditary angioedema type 1. Last evaluated: 2024-06-01. Review status: criteria provided, single submitter. Criteria: ACMG Guidelines, 2015. Collection method: research. Allele origin: germline. Inheritance: Autosomal dominant inheritance. Affected: yes. Observed: 1 variant allele, 1 heterozygote.
Comment: The c.623_624insA variant in SERPING1 meets ACMG/ClinGen SVI guidance criteria to be classified as pathogenic: PVS1, PP4_Str, PM2_Sup

Peking Union Medical College Hospital
Classification: Pathogenic for Hereditary angioedema with C1Inh deficiency. Last evaluated: 2021-09-25. Review status: no assertion criteria provided. Collection method: research. Allele origin: unknown. Affected: yes. Not counted in ClinVar's aggregate classification.